The following is an entry in ClinVar:

NM_003638.3(ITGA8):c.828T>C (p.Phe276=)

Gene: ITGA8 (integrin subunit alpha 8; minus strand). Cytogenetic location: 10p13.
Variant type: single nucleotide variant.
Coding change: c.828T>C on transcript NM_003638.3 (MANE Select); coding-DNA position 828, T replaced by C.
Protein change: p.Phe276=; no amino-acid change (phenylalanine 276 retained).
Molecular consequence: synonymous variant. On other transcripts: intron variant (1).
Genome position (GRCh38, 1-based): chr10:15,671,622, A>G on the plus strand (T>C on the coding strand, the complement: ITGA8 is on the minus strand). VCF-style: chr10-15671622-A-G. GRCh37 (hg19) VCF-style: chr10-15713621-A-G.
Other names: c.802+1002T>C (NM_001291494.2).
Identifiers: ClinVar variation 3045881 (VCV003045881.2), dbSNP rs750078964, ClinGen allele CA5420501.

ClinVar aggregate classification (germline): Likely benign (0 of 4 stars; one submission).

Conditions:
ITGA8-related disorder. Also called: ITGA8-related condition.

Allele frequency attached by ClinVar (database versions not stated): gnomAD exomes 0.00001; ExAC 0.00003.
gnomAD v4.1: 15 of 1,612,926 alleles (0.00093%); highest among the groups gnomAD compares: East Asian, 0.016%; no homozygotes.

Submission:

PreventionGenetics, part of Exact Sciences
Classification: Likely benign for ITGA8-related condition. Last evaluated: 2021-12-17. Review status: no assertion criteria provided. Collection method: clinical testing. Allele origin: germline.
Comment: This variant is classified as likely benign based on ACMG/AMP sequence variant interpretation guidelines (Richards et al. 2015 PMID: 25741868, with internal and published modifications).